The following is an entry in ClinVar:

ClinVar aggregate classification (germline): Uncertain significance (1 of 4 stars; one submission).

gnomAD v4.1: 10 of 1,614,130 alleles (0.00062%); highest among the groups gnomAD compares: Admixed American, 0.017%; no homozygotes.

Submission:

Labcorp Genetics (formerly Invitae), Labcorp
Classification: Uncertain significance. Last evaluated: 2024-05-28. Review status: criteria provided, single submitter. Criteria: Invitae Variant Classification Sherloc (09022015). Collection method: clinical testing. Allele origin: germline.
Comment: This sequence change replaces tyrosine, which is neutral and polar, with cysteine, which is neutral and slightly polar, at codon 232 of the KLHL9 protein (p.Tyr232Cys). This variant is present in population databases (rs750834542, gnomAD 0.02%). This variant has not been reported in the literature in individuals affected with KLHL9-related conditions. Advanced modeling of protein sequence and biophysical properties (such as structural, functional, and spatial information, amino acid conservation, physicochemical variation, residue mobility, and thermodynamic stability) performed at Invitae indicates that this missense variant is not expected to disrupt KLHL9 protein function with a negative predictive value of 80%. In summary, the available evidence is currently insufficient to determine the role of this variant in disease. Therefore, it has been classified as a Variant of Uncertain Significance.

NM_018847.4(KLHL9):c.695A>G (p.Tyr232Cys)

Gene: KLHL9 (kelch like family member 9; minus strand). Cytogenetic location: 9p21.3.
Variant type: single nucleotide variant.
Coding change: c.695A>G on transcript NM_018847.4 (MANE Select); coding-DNA position 695, A replaced by G.
Protein change: p.Tyr232Cys; replaces tyrosine 232 with cysteine.
Molecular consequence: missense variant.
Genome position (GRCh38, 1-based): chr9:21,334,165, T>C on the plus strand (A>G on the coding strand, the complement: KLHL9 is on the minus strand). VCF-style: chr9-21334165-T-C. GRCh37 (hg19) VCF-style: chr9-21334164-T-C.
Other names: short protein forms Y232C.
Identifiers: ClinVar variation 3716728 (VCV003716728.2).